The following is an entry in ClinVar:

NM_001876.4(CPT1A):c.507A>G (p.Thr169=)

Gene: CPT1A (carnitine palmitoyltransferase 1A; minus strand). Cytogenetic location: 11q13.3.
Variant type: single nucleotide variant.
Coding change: c.507A>G on transcript NM_001876.4 (MANE Select); coding-DNA position 507, A replaced by G.
Protein change: p.Thr169=; no amino-acid change (threonine 169 retained).
Molecular consequence: synonymous variant.
Genome position (GRCh38, 1-based): chr11:68,804,048, T>C on the plus strand (A>G on the coding strand, the complement: CPT1A is on the minus strand). VCF-style: chr11-68804048-T-C. GRCh37 (hg19) VCF-style: chr11-68571516-T-C.
Other names: c.507A>G, p.Thr169= (NM_001031847.3).
Identifiers: ClinVar variation 1086819 (VCV001086819.32), dbSNP rs547886138, ClinGen allele CA475205508.

ClinVar aggregate classification (germline): Likely benign. Review status: criteria provided, multiple submitters, no conflicts (2 of 4 stars). 2 submissions from 2 submitters: Likely benign (2). Last evaluated 2026-01-17.

Conditions:
Carnitine palmitoyl transferase 1A deficiency. Also called: Carnitine palmitoyltransferase type I deficiency; CPT deficiency, hepatic, type IA; CPT I DEFICIENCY; CPT DEFICIENCY, HEPATIC, TYPE I; Carnitine palmitoyltransferase 1A deficiency. Identifiers: Orphanet 156, MedGen C1829703, MONDO:0009705, OMIM 255120.

Allele frequency attached by ClinVar (database versions not stated): gnomAD exomes below 0.00001; TOPMed 0.00001.
gnomAD v4.1: 3 of 1,614,152 alleles (0.00019%); highest among the groups gnomAD compares: Non-Finnish European, 0.00025%; no homozygotes.

Submissions (2):

Labcorp Genetics (formerly Invitae), Labcorp
Classification: Likely benign for Carnitine palmitoyl transferase 1A deficiency. Last evaluated: 2026-01-17. Review status: criteria provided, single submitter. Criteria: Invitae Variant Classification Sherloc (09022015). Collection method: clinical testing. Allele origin: germline.

CeGaT Center for Human Genetics Tuebingen
Classification: Likely benign. Last evaluated: 2022-10-01. Review status: criteria provided, single submitter. Criteria: CeGaT Center For Human Genetics Tuebingen Variant Classification Criteria Version 2. Collection method: clinical testing. Allele origin: germline. Affected: yes. Observed: 1 variant allele.
Comment: CPT1A: BP4, BP7